The following is an entry in ClinVar:

NM_000052.7(ATP7A):c.916A>G (p.Ser306Gly)

Gene: ATP7A (ATPase copper transporting alpha; plus strand). Cytogenetic location: Xq21.1.
Variant type: single nucleotide variant.
Coding change: c.916A>G on transcript NM_000052.7 (MANE Select); coding-DNA position 916, A replaced by G.
Protein change: p.Ser306Gly; replaces serine 306 with glycine.
Molecular consequence: missense variant.
Genome position (GRCh38, 1-based): chrX:77,989,538, A>G. VCF-style: chrX-77989538-A-G. GRCh37 (hg19) VCF-style: chrX-77245034-A-G.
Other names: c.916A>G, p.Ser306Gly (NM_001282224.2); short protein forms S306G.
Identifiers: ClinVar variation 1719743 (VCV001719743.6), dbSNP rs2522293842, ClinGen allele CA413601409.
Genomic context (GRCh38, chrX:77,989,538, plus strand): 5'-ATGCATTGTAAATCATGTGTGTCAAATATTGAAAGTACTTTATCTGCACTCCAATATGTA[A>G]GCAGCATAGTAGTTTCTTTAGAGAATAGGTCTGCCATTGTGAAGTATAATGCAAGCTCAG-3'
Protein context (NP_000043.4, residues 296-316): ESTLSALQYV[Ser306Gly]SIVVSLENRS

ClinVar aggregate classification (germline): Uncertain significance (1 of 4 stars; one submission).

Conditions:
X-linked distal spinal muscular atrophy type 3. Also called: SPINAL MUSCULAR ATROPHY, DISTAL, X-LINKED RECESSIVE; NEURONOPATHY, DISTAL HEREDITARY MOTOR, X-LINKED; NEUROPATHY, DISTAL HEREDITARY MOTOR, X-LINKED; ATP7A-Related Distal Motor Neuropathy. Identifiers: Orphanet 139557, MedGen C1845359, MONDO:0010338, OMIM 300489.
Menkes kinky-hair syndrome (MNK). Also called: Copper transport disease; Classic Menkes Disease; Menkes Disease. Identifiers: Orphanet 565, MedGen C0022716, MONDO:0010651, OMIM 309400.
Cutis laxa, X-linked (OHS). Also called: EDS IX; Occipital horn syndrome. Identifiers: Orphanet 198, MedGen C0268353, MONDO:0010572, OMIM 304150.

Allele frequency attached by ClinVar (database versions not stated): gnomAD exomes below 0.00001.
gnomAD v4.1: 2 of 1,211,743 alleles (0.00017%); highest among the groups gnomAD compares: Non-Finnish European, 0.00022%; no homozygotes.

Submission:

Labcorp Genetics (formerly Invitae), Labcorp
Classification: Uncertain significance for X-linked distal spinal muscular atrophy type 3; Cutis laxa, X-linked; Menkes kinky-hair syndrome. Last evaluated: 2022-10-13. Review status: criteria provided, single submitter. Criteria: Invitae Variant Classification Sherloc (09022015). Collection method: clinical testing. Allele origin: germline.
Comment: In summary, the available evidence is currently insufficient to determine the role of this variant in disease. Therefore, it has been classified as a Variant of Uncertain Significance. Advanced modeling of protein sequence and biophysical properties (such as structural, functional, and spatial information, amino acid conservation, physicochemical variation, residue mobility, and thermodynamic stability) performed at Invitae indicates that this missense variant is not expected to disrupt ATP7A protein function. This variant has not been reported in the literature in individuals affected with ATP7A-related conditions. This variant is not present in population databases (gnomAD no frequency). This sequence change replaces serine, which is neutral and polar, with glycine, which is neutral and non-polar, at codon 306 of the ATP7A protein (p.Ser306Gly).